The following is an entry in ClinVar:

ClinVar aggregate classification (germline): Uncertain significance. Review status: criteria provided, multiple submitters, no conflicts (2 of 4 stars). 2 submissions from 2 submitters: Uncertain significance (2). Last evaluated 2025-05-01.

Conditions:
Inborn genetic diseases. Identifiers: MedGen C0950123, MeSH D030342.

Allele frequency attached by ClinVar (database versions not stated): TOPMed below 0.00001; ExAC 0.00001; gnomAD exomes 0.00001.
gnomAD v4.1: 6 of 1,204,490 alleles (0.0005%); highest among the groups gnomAD compares: East Asian, 0.003%; no homozygotes.

Submissions (2):

Labcorp Genetics (formerly Invitae), Labcorp
Classification: Uncertain significance. Last evaluated: 2025-05-01. Review status: criteria provided, single submitter. Criteria: Invitae Variant Classification Sherloc (09022015). Collection method: clinical testing. Allele origin: germline.
Comment: This sequence change replaces alanine, which is neutral and non-polar, with threonine, which is neutral and polar, at codon 60 of the HCCS protein (p.Ala60Thr). This variant is present in population databases (rs746570741, gnomAD 0.008%), including at least one homozygous and/or hemizygous individual. This variant has not been reported in the literature in individuals affected with HCCS-related conditions. ClinVar contains an entry for this variant (Variation ID: 2478045). Invitae Evidence Modeling of protein sequence and biophysical properties (such as structural, functional, and spatial information, amino acid conservation, physicochemical variation, residue mobility, and thermodynamic stability) indicates that this missense variant is not expected to disrupt HCCS protein function with a negative predictive value of 80%. In summary, the available evidence is currently insufficient to determine the role of this variant in disease. Therefore, it has been classified as a Variant of Uncertain Significance.

Ambry Genetics
Classification: Uncertain significance for Inborn genetic diseases. Last evaluated: 2023-01-23. Review status: criteria provided, single submitter. Criteria: Ambry Variant Classification Scheme 2023. Collection method: clinical testing. Allele origin: germline.

NM_005333.5(HCCS):c.178G>A (p.Ala60Thr)

Gene: HCCS (holocytochrome c synthase; plus strand). Cytogenetic location: Xp22.2.
Variant type: single nucleotide variant.
Coding change: c.178G>A on transcript NM_005333.5 (MANE Select); coding-DNA position 178, G replaced by A.
Protein change: p.Ala60Thr; replaces alanine 60 with threonine.
Molecular consequence: missense variant.
Genome position (GRCh38, 1-based): chrX:11,114,912, G>A. VCF-style: chrX-11114912-G-A. GRCh37 (hg19) VCF-style: chrX-11133032-G-A.
Other names: c.178G>A, p.Ala60Thr (NM_001122608.3, NM_001171991.3); short protein forms A60T.
Identifiers: ClinVar variation 2478045 (VCV002478045.3), dbSNP rs746570741, ClinGen allele CA10347794.